The following is an entry in ClinVar:

ClinVar aggregate classification (germline): Uncertain significance (1 of 4 stars; one submission).

Submission:

Ambry Genetics
Classification: Uncertain significance. Last evaluated: 2025-11-07. Review status: criteria provided, single submitter. Criteria: Ambry Variant Classification Scheme 2023. Collection method: clinical testing. Allele origin: germline.
Comment: The p.G1236E variant (also known as c.3707G>A), located in coding exon 33 of the KIF1B gene, results from a G to A substitution at nucleotide position 3707. The glycine at codon 1236 is replaced by glutamic acid, an amino acid with similar properties. This amino acid position is conserved. In addition, this alteration is predicted to be deleterious by in silico analysis. Based on the available evidence, the clinical significance of this variant remains unclear.

NM_001365951.3(KIF1B):c.3845G>A (p.Gly1282Glu)

Gene: KIF1B (kinesin family member 1B; plus strand). Cytogenetic location: 1p36.22.
Variant type: single nucleotide variant.
Coding change: c.3845G>A on transcript NM_001365951.3 (MANE Select); coding-DNA position 3845, G replaced by A.
Protein change: p.Gly1282Glu; replaces glycine 1282 with glutamic acid.
Molecular consequence: missense variant.
Genome position (GRCh38, 1-based): chr1:10,347,808, G>A. VCF-style: chr1-10347808-G-A. GRCh37 (hg19) VCF-style: chr1-10407866-G-A.
Other names: c.3845G>A, p.Gly1282Glu (NM_001365952.1); c.3707G>A, p.Gly1236Glu (NM_015074.3); short protein forms G1236E, G1282E.
Identifiers: ClinVar variation 4543668 (VCV004543668.1).